The following is an entry in ClinVar:

NM_138420.4(AHNAK2):c.4951G>T (p.Val1651Leu)

Gene: AHNAK2 (AHNAK nucleoprotein 2; minus strand). Cytogenetic location: 14q32.33.
Variant type: single nucleotide variant.
Coding change: c.4951G>T on transcript NM_138420.4 (MANE Select); coding-DNA position 4951, G replaced by T.
Protein change: p.Val1651Leu; replaces valine 1651 with leucine.
Molecular consequence: missense variant.
Genome position (GRCh38, 1-based): chr14:104,950,500, C>A on the plus strand (G>T on the coding strand, the complement: AHNAK2 is on the minus strand). VCF-style: chr14-104950500-C-A. GRCh37 (hg19) VCF-style: chr14-105416837-C-A.
Other names: c.4651G>T, p.Val1551Leu (NM_001350929.2); short protein forms V1551L, V1651L.
Identifiers: ClinVar variation 4828142 (VCV004828142.1).
Genomic context (GRCh38, chr14:104,950,500, plus strand): 5'-ACACCCCAAATGATGGCATCTTGAACTTGGGCATTTTGAACTTGCTGTCTTTGGCAGTCA[C>A]CGCCTTGTCGGCCAGGGACAGGTCCCCCTCCAGCTGCGCACCATCCAGCTTTGCTCTCGG-3'
Protein context (NP_612429.2, residues 1641-1661): EGDLSLADKA[Val1651Leu]TAKDSKFKMP

ClinVar aggregate classification (germline): Uncertain significance (1 of 4 stars; one submission).

Submission:

Ambry Genetics
Classification: Uncertain significance. Last evaluated: 2026-02-25. Review status: criteria provided, single submitter. Criteria: Ambry Variant Classification Scheme 2023. Collection method: clinical testing. Allele origin: germline.
Comment: The c.4951G>T (p.V1651L) alteration is located in exon 7 (coding exon 7) of the AHNAK2 gene. This alteration results from a G to T substitution at nucleotide position 4951, causing the valine (V) at amino acid position 1651 to be replaced by a leucine (L). Based on data from gnomAD, the T allele has an overall frequency of 0.001% (3/245076) total alleles studied. The highest observed frequency was 0.013% (2/15280) of African alleles. Based on insufficient or conflicting evidence, the clinical significance of this alteration remains unclear.